The following is an entry in ClinVar:

NM_000156.6(GAMT):c.68C>T (p.Ala23Val)

Genes: GAMT (guanidinoacetate N-methyltransferase; minus strand), LOC130062945 (ATAC-STARR-seq lymphoblastoid silent region 9707; plus strand). Cytogenetic location: 19p13.3.
Variant type: single nucleotide variant.
Coding change: c.68C>T on transcript NM_000156.6 (MANE Select); coding-DNA position 68, C replaced by T.
Protein change: p.Ala23Val; replaces alanine 23 with valine.
Molecular consequence: missense variant.
Genome position (GRCh38, 1-based): chr19:1,401,409, G>A on the plus strand (C>T on the coding strand, the complement: GAMT is on the minus strand). VCF-style: chr19-1401409-G-A. GRCh37 (hg19) VCF-style: chr19-1401408-G-A.
Other names: p.A23V:GCG>GTG; c.68C>T, p.Ala23Val (NM_138924.3); c.68C>T (NM_000156.5); short protein forms A23V.
Identifiers: ClinVar variation 205599 (VCV000205599.7), dbSNP rs796052530, ClinGen allele CA314842.

ClinVar aggregate classification (germline): Uncertain significance. Review status: criteria provided, multiple submitters, no conflicts (2 of 4 stars). 5 submissions from 5 submitters: Uncertain significance (4). 1 of the submissions does not count toward it. Last evaluated 2026-08-26.

Conditions:
GAMT-related disorder. Also called: GAMT-related condition.
Inborn genetic diseases. Identifiers: MedGen C0950123, MeSH D030342.
Cerebral creatine deficiency syndrome. Also called: Creatine deficiency syndromes. Identifiers: Orphanet 79172, MedGen C5244016, MONDO:0000456.
Deficiency of guanidinoacetate methyltransferase (CCDS2). Also called: CEREBRAL CREATINE DEFICIENCY SYNDROME 2; GAMT DEFICIENCY; Guanidinoacetate Methyltransferase (GAMT) Deficiency. Identifiers: Orphanet 382, MedGen C0574080, MONDO:0012999, OMIM 612736.

Allele frequency attached by ClinVar (database versions not stated): gnomAD 0.00001.
gnomAD v4.1: 4 of 1,452,910 alleles (0.00028%); highest among the groups gnomAD compares: Non-Finnish European, 0.00036%; no homozygotes.

Submissions (5):

PreventionGenetics, part of Exact Sciences
Classification: Uncertain significance for GAMT-related condition. Last evaluated: 2026-08-26. Review status: criteria provided, single submitter. Criteria: ACMG Guidelines, 2015. Collection method: clinical testing. Allele origin: germline.
Comment: The GAMT c.68C>T variant is predicted to result in the amino acid substitution p.Ala23Val. To our knowledge, this variant has not been reported in the literature. This variant is reported in 0.0065% of alleles in individuals of European (Non-Finnish) descent in gnomAD. At this time, the clinical significance of this variant is uncertain due to the absence of conclusive functional and genetic evidence.

Ambry Genetics
Classification: Uncertain significance for Inborn genetic diseases. Last evaluated: 2025-02-26. Review status: criteria provided, single submitter. Criteria: Ambry Variant Classification Scheme 2023. Collection method: clinical testing. Allele origin: germline.

Labcorp Genetics (formerly Invitae), Labcorp
Classification: Uncertain significance for Cerebral creatine deficiency syndrome. Last evaluated: 2022-07-28. Review status: criteria provided, single submitter. Criteria: Invitae Variant Classification Sherloc (09022015). Collection method: clinical testing. Allele origin: germline.
Comment: This sequence change replaces alanine, which is neutral and non-polar, with valine, which is neutral and non-polar, at codon 23 of the GAMT protein (p.Ala23Val). This variant is present in population databases (rs796052530, gnomAD 0.007%). This variant has not been reported in the literature in individuals affected with GAMT-related conditions. ClinVar contains an entry for this variant (Variation ID: 205599). Algorithms developed to predict the effect of missense changes on protein structure and function are either unavailable or do not agree on the potential impact of this missense change (SIFT: "Deleterious"; PolyPhen-2: "Probably Damaging"; Align-GVGD: "Class C0"). Algorithms developed to predict the effect of sequence changes on RNA splicing suggest that this variant may create or strengthen a splice site. In summary, the available evidence is currently insufficient to determine the role of this variant in disease. Therefore, it has been classified as a Variant of Uncertain Significance.

GeneDx
Classification: Uncertain significance. Last evaluated: 2013-07-18. Review status: criteria provided, single submitter. Criteria: GeneDx Variant Classification (06012015). Collection method: clinical testing. Allele origin: germline. Affected: yes.
Comment: p.Ala23Val (GCG>GTG): c.68 C>T in exon 1 of the GAMT gene (NM_000156.4) The Ala23Val missense change has not been published as a mutation, nor has it been reported as a benign polymorphism to our knowledge. It was not observed in approximately 5,600 individuals of European and African American ancestry in the NHLBI Exome Sequencing Project, indicating it is not a common benign variant in these populations. Ala23Val is a conservative amino acid substitution as Alanine and Valine are both uncharged, non-polar residues; however, the variant occurs at a position that is conserved across species. In addition, in silico algorithms predict that Ala23Val is damaging to the structure/function of the protein. Therefore, based on the currently available information, it is unclear whether Ala23Val is a disease-causing mutation or a rare benign variant. The variant is found in INFANT-EPI panel(s).

Natera, Inc.
Classification: Uncertain significance for Guanidinoacetate methyltransferase deficiency. Last evaluated: 2020-12-14. Review status: no assertion criteria provided. Collection method: clinical testing. Allele origin: germline. Not counted in ClinVar's aggregate classification.